The following is an entry in ClinVar:

NM_053025.4(MYLK):c.3287C>T (p.Thr1096Ile)

Gene: MYLK (myosin light chain kinase; minus strand). Cytogenetic location: 3q21.1.
Variant type: single nucleotide variant.
Coding change: c.3287C>T on transcript NM_053025.4 (MANE Select); coding-DNA position 3287, C replaced by T.
Protein change: p.Thr1096Ile; replaces threonine 1096 with isoleucine.
Molecular consequence: missense variant.
Genome position (GRCh38, 1-based): chr3:123,700,181, G>A on the plus strand (C>T on the coding strand, the complement: MYLK is on the minus strand). VCF-style: chr3-123700181-G-A. GRCh37 (hg19) VCF-style: chr3-123419028-G-A.
Other names: c.2759C>T, p.Thr920Ile (NM_001321309.2); c.3080C>T, p.Thr1027Ile (NM_053026.4, NM_053028.4); c.3287C>T, p.Thr1096Ile (NM_053027.4); short protein forms T1027I, T1096I, T920I.
Identifiers: ClinVar variation 1057090 (VCV001057090.9), dbSNP rs2108577683, ClinGen allele CA354229503.

ClinVar aggregate classification (germline): Uncertain significance (1 of 4 stars; one submission).

Conditions:
Aortic aneurysm, familial thoracic 7 (AAT7). Also called: AORTIC DISSECTION, FAMILIAL, WITH OR WITHOUT AORTIC ANEURYSM. Identifiers: MedGen C3151077, MONDO:0013418, OMIM 613780.

Submission:

Labcorp Genetics (formerly Invitae), Labcorp
Classification: Uncertain significance for Aortic aneurysm, familial thoracic 7. Last evaluated: 2024-02-17. Review status: criteria provided, single submitter. Criteria: Invitae Variant Classification Sherloc (09022015). Collection method: clinical testing. Allele origin: germline.
Comment: This sequence change replaces threonine, which is neutral and polar, with isoleucine, which is neutral and non-polar, at codon 1096 of the MYLK protein (p.Thr1096Ile). This variant is not present in population databases (gnomAD no frequency). This variant has not been reported in the literature in individuals affected with MYLK-related conditions. ClinVar contains an entry for this variant (Variation ID: 1057090). Advanced modeling of protein sequence and biophysical properties (such as structural, functional, and spatial information, amino acid conservation, physicochemical variation, residue mobility, and thermodynamic stability) performed at Invitae indicates that this missense variant is not expected to disrupt MYLK protein function with a negative predictive value of 80%. In summary, the available evidence is currently insufficient to determine the role of this variant in disease. Therefore, it has been classified as a Variant of Uncertain Significance.